The following is an entry in ClinVar:

ClinVar aggregate classification (germline): Uncertain significance (1 of 4 stars; one submission).

Submission:

Labcorp Genetics (formerly Invitae), Labcorp
Classification: Uncertain significance. Last evaluated: 2022-10-08. Review status: criteria provided, single submitter. Criteria: Invitae Variant Classification Sherloc (09022015). Collection method: clinical testing. Allele origin: germline.
Comment: In summary, the available evidence is currently insufficient to determine the role of this variant in disease. Therefore, it has been classified as a Variant of Uncertain Significance. Advanced modeling of protein sequence and biophysical properties (such as structural, functional, and spatial information, amino acid conservation, physicochemical variation, residue mobility, and thermodynamic stability) performed at Invitae indicates that this missense variant is expected to disrupt NSD1 protein function. This sequence change replaces lysine, which is basic and polar, with arginine, which is basic and polar, at codon 1622 of the NSD1 protein (p.Lys1622Arg). This variant is not present in population databases (gnomAD no frequency). This variant has not been reported in the literature in individuals affected with NSD1-related conditions.

NM_022455.5(NSD1):c.4865A>G (p.Lys1622Arg)

Gene: NSD1 (nuclear receptor binding SET domain protein 1; plus strand). Cytogenetic location: 5q35.3.
Variant type: single nucleotide variant.
Coding change: c.4865A>G on transcript NM_022455.5 (MANE Select); coding-DNA position 4865, A replaced by G.
Protein change: p.Lys1622Arg; replaces lysine 1622 with arginine.
Molecular consequence: missense variant.
Genome position (GRCh38, 1-based): chr5:177,257,050, A>G. VCF-style: chr5-177257050-A-G. GRCh37 (hg19) VCF-style: chr5-176684051-A-G.
Other names: c.3992A>G, p.Lys1331Arg (NM_001365684.2, NM_001409308.1, NM_001409309.1 and 1 more transcripts); c.4865A>G, p.Lys1622Arg (NM_001409301.1, NM_001409302.1, NM_001409303.1); c.4445A>G, p.Lys1482Arg (NM_001409304.1); c.4112A>G, p.Lys1371Arg (NM_001409305.1); c.4103A>G, p.Lys1368Arg (NM_001409306.1, NM_001409307.1); short protein forms K1482R, K1353R, K1371R, K1622R, K1331R, K1368R.
Identifiers: ClinVar variation 2115355 (VCV002115355.4), dbSNP rs2480664359, ClinGen allele CA362355503.